The following is an entry in ClinVar:

ClinVar aggregate classification (germline): Uncertain significance. Review status: criteria provided, multiple submitters, no conflicts (2 of 4 stars). 2 submissions from 2 submitters: Uncertain significance (2). Last evaluated 2023-09-26.

Conditions:
Inborn genetic diseases. Identifiers: MedGen C0950123, MeSH D030342.

Allele frequency attached by ClinVar (database versions not stated): TOPMed below 0.00001.
gnomAD v4.1: 15 of 1,614,084 alleles (0.00093%); highest among the groups gnomAD compares: Non-Finnish European, 0.0011%; no homozygotes.

Submissions (2):

Labcorp Genetics (formerly Invitae), Labcorp
Classification: Uncertain significance. Last evaluated: 2023-09-26. Review status: criteria provided, single submitter. Criteria: Invitae Variant Classification Sherloc (09022015). Collection method: clinical testing. Allele origin: germline.
Comment: In summary, the available evidence is currently insufficient to determine the role of this variant in disease. Therefore, it has been classified as a Variant of Uncertain Significance. This variant is not present in population databases (gnomAD no frequency). This variant has not been reported in the literature in individuals affected with EMC1-related conditions. ClinVar contains an entry for this variant (Variation ID: 2063654). Advanced modeling of protein sequence and biophysical properties (such as structural, functional, and spatial information, amino acid conservation, physicochemical variation, residue mobility, and thermodynamic stability) performed at Invitae indicates that this missense variant is not expected to disrupt EMC1 protein function. This sequence change replaces aspartic acid, which is acidic and polar, with asparagine, which is neutral and polar, at codon 285 of the EMC1 protein (p.Asp285Asn).

Ambry Genetics
Classification: Uncertain significance for Inborn genetic diseases. Last evaluated: 2022-10-27. Review status: criteria provided, single submitter. Criteria: Ambry Variant Classification Scheme 2023. Collection method: clinical testing. Allele origin: germline.

NM_015047.3(EMC1):c.853G>A (p.Asp285Asn)

Genes: EMC1 (ER membrane protein complex subunit 1; minus strand), EMC1-AS1 (EMC1 antisense RNA 1; plus strand). Cytogenetic location: 1p36.13.
Variant type: single nucleotide variant.
Coding change: c.853G>A on transcript NM_015047.3 (MANE Select); coding-DNA position 853, G replaced by A.
Protein change: p.Asp285Asn; replaces aspartic acid 285 with asparagine.
Molecular consequence: missense variant.
Genome position (GRCh38, 1-based): chr1:19,239,919, C>T on the plus strand (G>A on the coding strand, the complement: EMC1 is on the minus strand). VCF-style: chr1-19239919-C-T. GRCh37 (hg19) VCF-style: chr1-19566413-C-T.
Other names: c.853G>A, p.Asp285Asn (NM_001271427.2, NM_001271428.2, NM_001375820.1 and 1 more transcripts); c.787G>A, p.Asp263Asn (NM_001271429.2); short protein forms D285N, D263N.
Identifiers: ClinVar variation 2063654 (VCV002063654.5), dbSNP rs1428914211, ClinGen allele CA338768253.